The following is an entry in ClinVar:

NM_014920.5(CILK1):c.440C>T (p.Ala147Val)

Gene: CILK1 (ciliogenesis associated kinase 1; minus strand). Cytogenetic location: 6p12.1.
Variant type: single nucleotide variant.
Coding change: c.440C>T on transcript NM_014920.5 (MANE Select); coding-DNA position 440, C replaced by T.
Protein change: p.Ala147Val; replaces alanine 147 with valine.
Molecular consequence: missense variant. On other transcripts: non-coding transcript variant (1).
Genome position (GRCh38, 1-based): chr6:53,019,278, G>A on the plus strand (C>T on the coding strand, the complement: CILK1 is on the minus strand). VCF-style: chr6-53019278-G-A. GRCh37 (hg19) VCF-style: chr6-52884076-G-A.
Other names: c.440C>T, p.Ala147Val (NM_001375397.1, NM_001375398.1, NM_001375399.1 and 4 more transcripts); short protein forms A147V.
Identifiers: ClinVar variation 1007589 (VCV001007589.6), dbSNP rs201092205, ClinGen allele CA139041750.

ClinVar aggregate classification (germline): Uncertain significance (1 of 4 stars; one submission).

Allele frequency attached by ClinVar (database versions not stated): gnomAD exomes below 0.00001; TOPMed below 0.00001; gnomAD 0.00001.
gnomAD v4.1: 5 of 1,613,794 alleles (0.00031%); highest among the groups gnomAD compares: Non-Finnish European, 0.00042%; no homozygotes.

Submission:

Labcorp Genetics (formerly Invitae), Labcorp
Classification: Uncertain significance. Last evaluated: 2025-09-23. Review status: criteria provided, single submitter. Criteria: Invitae Variant Classification Sherloc (09022015). Collection method: clinical testing. Allele origin: germline.
Comment: This sequence change replaces alanine, which is neutral and non-polar, with valine, which is neutral and non-polar, at codon 147 of the ICK protein (p.Ala147Val). This variant is not present in population databases (gnomAD no frequency). This variant has not been reported in the literature in individuals affected with ICK-related conditions. ClinVar contains an entry for this variant (Variation ID: 1007589). Invitae Evidence Modeling of protein sequence and biophysical properties (such as structural, functional, and spatial information, amino acid conservation, physicochemical variation, residue mobility, and thermodynamic stability) indicates that this missense variant is not expected to disrupt ICK protein function with a negative predictive value of 80%. In summary, the available evidence is currently insufficient to determine the role of this variant in disease. Therefore, it has been classified as a Variant of Uncertain Significance.